The following is an entry in ClinVar:

ClinVar aggregate classification (germline): Uncertain significance (1 of 4 stars; one submission).

Submission:

Mayo Clinic Laboratories, Mayo Clinic
Classification: Uncertain significance. Last evaluated: 2022-11-02. Review status: criteria provided, single submitter. Criteria: ACMG Guidelines, 2015. Collection method: clinical testing. Allele origin: germline. Observed: 1 variant allele.
Comment: PM2_supporting

NM_001276345.2(TNNT2):c.553A>G (p.Lys185Glu)

Gene: TNNT2 (troponin T2, cardiac type; minus strand). Cytogenetic location: 1q32.1.
Variant type: single nucleotide variant.
Coding change: c.553A>G on transcript NM_001276345.2 (MANE Select); coding-DNA position 553, A replaced by G.
Protein change: p.Lys185Glu; replaces lysine 185 with glutamic acid.
Molecular consequence: missense variant.
Genome position (GRCh38, 1-based): chr1:201,363,343, T>C on the plus strand (A>G on the coding strand, the complement: TNNT2 is on the minus strand). VCF-style: chr1-201363343-T-C. GRCh37 (hg19) VCF-style: chr1-201332471-T-C.
Other names: p.Lys175Glu; c.553A>G, p.Lys185Glu (NM_000364.4, NM_001406723.1); c.523A>G, p.Lys175Glu (NM_001001430.3, NM_001001431.3, NM_001276347.2 and 3 more transcripts); c.508A>G, p.Lys170Glu (NM_001001432.3, NM_001406728.1); c.433A>G, p.Lys145Glu (NM_001276346.2); c.520A>G, p.Lys174Glu (NM_001406725.1); short protein forms K145E, K170E, K174E, K175E, K185E.
Identifiers: ClinVar variation 2682717 (VCV002682717.1), dbSNP rs558549356, ClinGen allele CA344204399.
Genomic context (GRCh38, chr1:201,363,343, plus strand): 5'-GCTCCCTACCTACCTTCTGGATGTAACCCCCAAAATGCATCATGTTGGACAAAGCCTTCT[T>C]CTTCCGGGCCTCATCCTCAGCCTTCCTCCTGTTCTCCTCCTCCTCTCGTCGAGCCCTCTC-3'
Protein context (NP_001263274.1, residues 175-195): RRKAEDEARK[Lys185Glu]KALSNMMHFG